The following is an entry in ClinVar:

ClinVar aggregate classification (germline): Uncertain significance (1 of 4 stars; one submission).

Conditions:
Hypogonadotropic hypogonadism 1 with or without anosmia (HH1). Also called: Kallmann syndrome, type 1, X-linked; DYSPLASIA OLFACTOGENITALIS OF DE MORSIER; HYPOGONADOTROPIC HYPOGONADISM AND ANOSMIA; HYPOGONADOTROPIC HYPOGONADISM 1 WITH ANOSMIA; KAL1-Related GnRH Deficiency (Kallmann Syndrome 1; Kallmann Syndrome, X-Linked); Hypogonadotropic hypogonadism 1 with or without anosmia (Kallmann syndrome 1). Identifiers: Orphanet 478, MedGen C1563719, MONDO:0010635, OMIM 308700. Disease mechanism: loss of function.

Submission:

Labcorp Genetics (formerly Invitae), Labcorp
Classification: Uncertain significance for Hypogonadotropic hypogonadism 1 with or without anosmia. Last evaluated: 2024-04-07. Review status: criteria provided, single submitter. Criteria: Invitae Variant Classification Sherloc (09022015). Collection method: clinical testing. Allele origin: germline.
Comment: This sequence change replaces cysteine, which is neutral and slightly polar, with arginine, which is basic and polar, at codon 53 of the ANOS1 protein (p.Cys53Arg). This variant is not present in population databases (gnomAD no frequency). This variant has not been reported in the literature in individuals affected with ANOS1-related conditions. Advanced modeling of protein sequence and biophysical properties (such as structural, functional, and spatial information, amino acid conservation, physicochemical variation, residue mobility, and thermodynamic stability) performed at Invitae indicates that this missense variant is expected to disrupt ANOS1 protein function with a positive predictive value of 80%. In summary, the available evidence is currently insufficient to determine the role of this variant in disease. Therefore, it has been classified as a Variant of Uncertain Significance.

NM_000216.4(ANOS1):c.157T>C (p.Cys53Arg)

Gene: ANOS1 (anosmin 1; minus strand). Cytogenetic location: Xp22.31.
Variant type: single nucleotide variant.
Coding change: c.157T>C on transcript NM_000216.4 (MANE Select); coding-DNA position 157, T replaced by C.
Protein change: p.Cys53Arg; replaces cysteine 53 with arginine.
Molecular consequence: missense variant.
Genome position (GRCh38, 1-based): chrX:8,731,880, A>G on the plus strand (T>C on the coding strand, the complement: ANOS1 is on the minus strand). VCF-style: chrX-8731880-A-G. GRCh37 (hg19) VCF-style: chrX-8699921-A-G.
Other names: short protein forms C53R.
Identifiers: ClinVar variation 3649076 (VCV003649076.2).
Genomic context (GRCh38, chrX:8,731,880, plus strand): 5'-CTCCCCGTACCTGGAAGTGCTGGAAGAAGGCGGAGATGCGAGTGATCTGCAGGCTCAGGC[A>G]CCTGGAGGCGCAGCGAGCGCGCTGGACGCTCCCGGCAGACAGCGACTCGTCCAGCCGCCG-3'
Protein context (NP_000207.2, residues 43-63): SVQRARCASR[Cys53Arg]LSLQITRISA